The following is an entry in ClinVar:

NM_001278512.2(AP3B2):c.1288A>G (p.Ile430Val)

Genes: AP3B2 (adaptor related protein complex 3 subunit beta 2; minus strand), CPEB1-AS1 (CPEB1 antisense RNA 1; plus strand). Cytogenetic location: 15q25.2.
Variant type: single nucleotide variant.
Coding change: c.1288A>G on transcript NM_001278512.2 (MANE Select); coding-DNA position 1288, A replaced by G.
Protein change: p.Ile430Val; replaces isoleucine 430 with valine.
Molecular consequence: missense variant.
Genome position (GRCh38, 1-based): chr15:82,677,761, T>C on the plus strand (A>G on the coding strand, the complement: AP3B2 is on the minus strand). VCF-style: chr15-82677761-T-C. GRCh37 (hg19) VCF-style: chr15-83346513-T-C.
Other names: c.1192A>G, p.Ile398Val (NM_001278511.2); c.1288A>G, p.Ile430Val (NM_004644.5); short protein forms I398V, I430V.
Identifiers: ClinVar variation 2781609 (VCV002781609.3), dbSNP rs1310995941, ClinGen allele CA393316953.

ClinVar aggregate classification (germline): Uncertain significance (1 of 4 stars; one submission).

Allele frequency attached by ClinVar (database versions not stated): TOPMed below 0.00001; gnomAD exomes 0.00001.
gnomAD v4.1: 18 of 1,612,512 alleles (0.0011%); highest among the groups gnomAD compares: Non-Finnish European, 0.0015%; no homozygotes.

Submission:

Labcorp Genetics (formerly Invitae), Labcorp
Classification: Uncertain significance. Last evaluated: 2023-06-02. Review status: criteria provided, single submitter. Criteria: Invitae Variant Classification Sherloc (09022015). Collection method: clinical testing. Allele origin: germline.
Comment: In summary, the available evidence is currently insufficient to determine the role of this variant in disease. Therefore, it has been classified as a Variant of Uncertain Significance. An algorithm developed to predict the effect of missense changes on protein structure and function (PolyPhen-2) suggests that this variant is likely to be tolerated. This variant has not been reported in the literature in individuals affected with AP3B2-related conditions. This variant is present in population databases (no rsID available, gnomAD 0.002%). This sequence change replaces isoleucine, which is neutral and non-polar, with valine, which is neutral and non-polar, at codon 430 of the AP3B2 protein (p.Ile430Val).